The following is an entry in ClinVar:

ClinVar aggregate classification (germline): Likely benign. Review status: criteria provided, multiple submitters, no conflicts (2 of 4 stars). 3 submissions from 3 submitters: Likely benign (3). Last evaluated 2026-03-01.

Allele frequency attached by ClinVar (database versions not stated): 1000 Genomes Project 30x 0.00016; 1000 Genomes Project 0.00020; ESP Exome Variant Server 0.00038; ExAC 0.00044; TOPMed 0.00045; gnomAD 0.00046 and 0.00047.
gnomAD v4.1: 785 of 1,587,128 alleles (0.049%); highest among the groups gnomAD compares: Admixed American, 0.097%; 1 homozygote.

Submissions (3):

CeGaT Center for Human Genetics Tuebingen
Classification: Likely benign. Last evaluated: 2026-03-01. Review status: criteria provided, single submitter. Criteria: CeGaT Center For Human Genetics Tuebingen Variant Classification Criteria Version 2. Collection method: clinical testing. Allele origin: germline. Affected: yes. Observed: 4 variant alleles.
Comment: KMT2C: BP4, BP7

Labcorp Genetics (formerly Invitae), Labcorp
Classification: Likely benign. Last evaluated: 2025-12-03. Review status: criteria provided, single submitter. Criteria: Invitae Variant Classification Sherloc (09022015). Collection method: clinical testing. Allele origin: germline.

Blueprint Genetics
Classification: Likely benign. Last evaluated: 2024-11-26. Review status: criteria provided, single submitter. Criteria: ACMG Guidelines, 2015. Collection method: clinical testing. Allele origin: germline.

NM_170606.3(KMT2C):c.4272C>T (p.His1424=)

Gene: KMT2C (lysine methyltransferase 2C; minus strand). Cytogenetic location: 7q36.1.
Variant type: single nucleotide variant.
Coding change: c.4272C>T on transcript NM_170606.3 (MANE Select); coding-DNA position 4272, C replaced by T.
Protein change: p.His1424=; no amino-acid change (histidine 1424 retained).
Molecular consequence: synonymous variant.
Genome position (GRCh38, 1-based): chr7:152,199,280, G>A on the plus strand (C>T on the coding strand, the complement: KMT2C is on the minus strand). VCF-style: chr7-152199280-G-A. GRCh37 (hg19) VCF-style: chr7-151896365-G-A.
Identifiers: ClinVar variation 1528402 (VCV001528402.32), dbSNP rs200156200, ClinGen allele CA4580605.